The following is an entry in ClinVar:

NM_000540.3(RYR1):c.8501C>A (p.Thr2834Lys)

Genes: RYR1 (ryanodine receptor 1; plus strand), LOC126862902 (BRD4-independent group 4 enhancer GRCh37_chr19:38995830-38997029; plus strand). Cytogenetic location: 19q13.2.
Variant type: single nucleotide variant.
Coding change: c.8501C>A on transcript NM_000540.3 (MANE Select); coding-DNA position 8501, C replaced by A.
Protein change: p.Thr2834Lys; replaces threonine 2834 with lysine.
Molecular consequence: missense variant.
Genome position (GRCh38, 1-based): chr19:38,505,906, C>A. VCF-style: chr19-38505906-C-A. GRCh37 (hg19) VCF-style: chr19-38996546-C-A.
Other names: c.8501C>A, p.Thr2834Lys (NM_001042723.2); short protein forms T2834K.
Identifiers: ClinVar variation 2996239 (VCV002996239.3), dbSNP rs555470100, ClinGen allele CA405678876.

ClinVar aggregate classification (germline): Uncertain significance (1 of 4 stars; one submission).

Conditions:
RYR1-related disorder. Also called: RYR1-related condition; RYR1-related disorders. Identifiers: MedGen CN239331.

gnomAD v4.1: 3 of 1,612,764 alleles (0.00019%); highest among the groups gnomAD compares: African/African-American, 0.004%; no homozygotes.

Submission:

Labcorp Genetics (formerly Invitae), Labcorp
Classification: Uncertain significance for RYR1-related disorder. Last evaluated: 2023-06-20. Review status: criteria provided, single submitter. Criteria: Invitae Variant Classification Sherloc (09022015). Collection method: clinical testing. Allele origin: germline.
Comment: In summary, the available evidence is currently insufficient to determine the role of this variant in disease. Therefore, it has been classified as a Variant of Uncertain Significance. Advanced modeling of protein sequence and biophysical properties (such as structural, functional, and spatial information, amino acid conservation, physicochemical variation, residue mobility, and thermodynamic stability) performed at Invitae indicates that this missense variant is not expected to disrupt RYR1 protein function. This variant has not been reported in the literature in individuals affected with RYR1-related conditions. This variant is not present in population databases (gnomAD no frequency). This sequence change replaces threonine, which is neutral and polar, with lysine, which is basic and polar, at codon 2834 of the RYR1 protein (p.Thr2834Lys).